The following is an entry in ClinVar:

NM_001267550.2(TTN):c.3727C>T (p.Gln1243Ter)

Gene: TTN (titin; minus strand). Cytogenetic location: 2q31.2.
Variant type: single nucleotide variant.
Coding change: c.3727C>T on transcript NM_001267550.2 (MANE Select); coding-DNA position 3727, C replaced by T.
Protein change: p.Gln1243Ter; replaces glutamine 1243 with a stop codon.
Molecular consequence: nonsense.
Genome position (GRCh38, 1-based): chr2:178,780,002, G>A on the plus strand (C>T on the coding strand, the complement: TTN is on the minus strand). VCF-style: chr2-178780002-G-A. GRCh37 (hg19) VCF-style: chr2-179644729-G-A.
Other names: c.3727C>T, p.Gln1243Ter (NM_001256850.1, NM_133378.4, NM_133379.5); c.3589C>T, p.Gln1197Ter (NM_003319.4, NM_133432.3, NM_133437.4); short protein forms Q1197*, Q1243*.
Identifiers: ClinVar variation 1711518 (VCV001711518.30), dbSNP rs1199136998, ClinGen allele CA349481782.

ClinVar aggregate classification (germline): Pathogenic (1 of 4 stars; one submission).

Submission:

CeGaT Center for Human Genetics Tuebingen
Classification: Pathogenic. Last evaluated: 2022-08-01. Review status: criteria provided, single submitter. Criteria: CeGaT Center For Human Genetics Tuebingen Variant Classification Criteria Version 2. Collection method: clinical testing. Allele origin: germline. Affected: yes. Observed: 1 variant allele.
Comment: TTN: PVS1, PM2